The following is an entry in ClinVar:

ClinVar aggregate classification (germline): Uncertain significance (1 of 4 stars; one submission).

Submission:

Geisinger Autism and Developmental Medicine Institute, Geisinger Health System
Classification: Uncertain significance. Last evaluated: 2017-06-08. Review status: criteria provided, single submitter. Criteria: ACMG CNV Guidelines, 2011. Collection method: provider interpretation. Allele origin: maternal.

Single allele

Genes: AMBRA1 (autophagy and beclin 1 regulator 1; minus strand), ARHGAP1 (Rho GTPase activating protein 1; minus strand), ATG13 (autophagy related 13; plus strand), HARBI1 (harbinger transposase derived 1; minus strand), ZNF408 (zinc finger protein 408; plus strand) and 5 more. Cytogenetic location: 11p11.2.
Variant type: Deletion.
Identifiers: ClinVar variation 560080 (VCV000560080.3).